The following is an entry in ClinVar:

NM_002862.4(PYGB):c.2377C>T (p.Arg793Trp)

Genes: ABHD12 (abhydrolase domain containing 12, lysophospholipase; minus strand), PYGB (glycogen phosphorylase B; plus strand). Cytogenetic location: 20p11.21.
Variant type: single nucleotide variant.
Coding change: c.2377C>T on transcript NM_002862.4 (MANE Select); coding-DNA position 2377, C replaced by T.
Protein change: p.Arg793Trp; replaces arginine 793 with tryptophan.
Molecular consequence: missense variant. On other transcripts: intron variant (1).
Genome position (GRCh38, 1-based): chr20:25,295,668, C>T. VCF-style: chr20-25295668-C-T. GRCh37 (hg19) VCF-style: chr20-25276304-C-T.
Other names: c.1158-638G>A (NM_015600.5); short protein forms R793W.
Identifiers: ClinVar variation 3770769 (VCV003770769.13).

ClinVar aggregate classification (germline): Benign (1 of 4 stars; one submission).

gnomAD v4.1: 1,337 of 1,613,006 alleles (0.083%); highest among the groups gnomAD compares: South Asian, 1.4%; 18 homozygotes.

Submission:

CeGaT Center for Human Genetics Tuebingen
Classification: Benign. Last evaluated: 2026-08-01. Review status: criteria provided, single submitter. Criteria: CeGaT Center For Human Genetics Tuebingen Variant Classification Criteria Version 2. Collection method: clinical testing. Allele origin: germline. Affected: yes. Observed: 4 variant alleles.
Comment: PYGB: BS1, BS2